The following is an entry in ClinVar:

NM_000419.5(ITGA2B):c.3060+2T>C

Gene: ITGA2B (integrin subunit alpha 2b; minus strand). Cytogenetic location: 17q21.31.
Variant type: single nucleotide variant.
Coding change: c.3060+2T>C on transcript NM_000419.5 (MANE Select); the canonical splice donor site of the intron after coding-DNA position 3060, T replaced by C.
Molecular consequence: splice donor variant.
Genome position (GRCh38, 1-based): chr17:44,374,352, A>G on the plus strand (T>C on the coding strand, the complement: ITGA2B is on the minus strand). VCF-style: chr17-44374352-A-G. GRCh37 (hg19) VCF-style: chr17-42451720-A-G.
Other names: NM_000419.4:c.3060+2T>C.
Identifiers: ClinVar variation 627296 (VCV000627296.15), dbSNP rs74664206, ClinGen allele CA290944108.

ClinVar aggregate classification (germline): Pathogenic. Review status: reviewed by expert panel (3 of 4 stars). 9 submissions from 9 submitters: Pathogenic (1). 8 of the submissions do not count toward it. Last evaluated 2020-09-04.

Conditions:
ITGA2B-related disorder. Also called: ITGA2B-related disorders; ITGA2B-related condition.
Glanzmann thrombasthenia 1 (GT1). Also called: BLEEDING DISORDER, PLATELET-TYPE, 2; GP IIb-IIIa COMPLEX DEFICIENCY; GLYCOPROTEIN COMPLEX IIb-IIIa DEFICIENCY; PLATELET FIBRINOGEN RECEPTOR DEFICIENCY. Identifiers: MedGen CN300358, MONDO:0031332, OMIM 273800.
Glanzmann thrombasthenia. Also called: Thrombasthenia; THROMBASTHENIA OF GLANZMANN AND NAEGELI; Glanzmann's thrombasthenia; PLATELET GLYCOPROTEIN IIb-IIIa DEFICIENCY. Identifiers: Orphanet 849, MedGen C0040015, MONDO:0100326.
Abnormal platelet function. Identifiers: MedGen C0855740, HP:0011869.

Allele frequency attached by ClinVar (database versions not stated): gnomAD exomes 0.00003 and 0.00002; TOPMed 0.00002; gnomAD 0.00004.
gnomAD v4.1: 44 of 1,613,224 alleles (0.0027%); highest among the groups gnomAD compares: Non-Finnish European, 0.0036%; no homozygotes.

Submissions (9):

ClinGen Platelet Disorders Variant Curation Expert Panel, ClinGen
Classification: Pathogenic for Glanzmann thrombasthenia. Last evaluated: 2020-09-04. Review status: reviewed by expert panel. Criteria: ClinGen Platelet ACMG Specifications v2-1. Collection method: curation. Allele origin: germline. Inheritance: Autosomal recessive inheritance.
Comment: The NM_000419.4:c.3060+2T>C variant is a splice site variant that causes aberrant splicing and results in the deletion of 38 amino acids in the transmembrane domain (PMID: 9215749). It is present in a very low frequency in gnomAD (0.00003876). It is seen in four individuals in the compound heterozygous state in the published literature. In summary, based on the available evidence at the time the c.3060+2T>C variant is classified as pathogenic. GT-specific criteria applied: PVS1_Strong, PM2_Supporting, PP4_Strong, PM3_Supporting.

GeneDx
Classification: Likely pathogenic. Last evaluated: 2026-10-13. Review status: criteria provided, single submitter. Criteria: GeneDx Variant Classification Process June 2021. Collection method: clinical testing. Allele origin: germline. Not counted in ClinVar's aggregate classification.
Comment: Also known as IVS29(+2)T>C; Canonical splice site variant predicted to result in an in-frame loss of the adjacent exon in a gene for which loss of function is a known mechanism of disease; This variant is associated with the following publications: (PMID: 25525159, 25373348, 37647632, 20020534, 40239810, 9215749, 31064749)

Dasa
Classification: Pathogenic. Last evaluated: 2025-07-31. Review status: criteria provided, single submitter. Criteria: DASA Assertion Criteria. Collection method: clinical testing. Allele origin: germline. Not counted in ClinVar's aggregate classification.
Comment: NM_000419.5(ITGA2B):c.3060+2T>C affects a canonical splice site and is predicted to disrupt normal RNA splicing, leading to loss of normal protein function. Loss-of-function is an established mechanism of disease for this gene. This variant has been recurrently observed in affected individuals with related phenotype in a genotype context consistent with recessive disease (PMID: 9215749; PMID: 25373348; PMID: 31064749). The variant is present at low frequency in population datasets. Based on the available data, this variant is classified as pathogenic.

Labcorp Genetics (formerly Invitae), Labcorp
Classification: Uncertain significance for Glanzmann thrombasthenia. Last evaluated: 2024-02-06. Review status: criteria provided, single submitter. Criteria: Invitae Variant Classification Sherloc (09022015). Collection method: clinical testing. Allele origin: germline. Not counted in ClinVar's aggregate classification.
Comment: This sequence change affects a donor splice site in intron 29 of the ITGA2B gene. While this variant is not anticipated to result in nonsense mediated decay, it likely alters RNA splicing and results in a disrupted protein product. This variant is present in population databases (rs74664206, gnomAD 0.004%). Disruption of this splice site has been observed in individual(s) with autosomal recessive Glanzmann thrombasthenia and/or clinical features of ITGA2B-related conditions (PMID: 9215749, 25373348, 31064749). This variant is also known as IVS29(+2)T->C. ClinVar contains an entry for this variant (Variation ID: 627296). Variants that disrupt the consensus splice site are a relatively common cause of aberrant splicing (PMID: 17576681, 9536098). Studies have shown that disruption of this splice site is associated with inconclusive levels of altered splicing (PMID: 25373348). In summary, the available evidence is currently insufficient to determine the role of this variant in disease. Therefore, it has been classified as a Variant of Uncertain Significance.

KardioGenetik, Herz- und Diabeteszentrum NRW
Classification: Pathogenic for Glanzmann thrombasthenia 1. Last evaluated: 2023-08-15. Review status: criteria provided, single submitter. Criteria: ACMG Guidelines, 2015. Collection method: clinical testing. Allele origin: unknown. Affected: yes. Observed: 1 variant allele. Not counted in ClinVar's aggregate classification.

Blueprint Genetics
Classification: Likely pathogenic for ITGA2B-related disorders. Last evaluated: 2019-08-08. Review status: criteria provided, single submitter. Criteria: ACMG Guidelines, 2015. Collection method: clinical testing. Allele origin: germline. Affected: yes. Observed: 1 variant allele. Not counted in ClinVar's aggregate classification.

NIHR Bioresource Rare Diseases, University of Cambridge
Classification: Uncertain significance for Abnormal platelet function. Last evaluated: 2019-02-01. Review status: criteria provided, single submitter. Criteria: ACMG Guidelines, 2015. Collection method: research. Allele origin: unknown. Affected: yes. Observed: 1 heterozygote. Study: ThromboGenomics. Not counted in ClinVar's aggregate classification.

Diagnostic Laboratory, Department of Genetics, University Medical Center Groningen
Classification: Pathogenic. Review status: no assertion criteria provided. Collection method: clinical testing. Allele origin: germline. Affected: yes. Study: VKGL Data-share Consensus. Not counted in ClinVar's aggregate classification.

Joint Genome Diagnostic Labs from Nijmegen and Maastricht, Radboudumc and MUMC+
Classification: Pathogenic. Review status: no assertion criteria provided. Collection method: clinical testing. Allele origin: germline. Affected: yes. Study: VKGL Data-share Consensus. Not counted in ClinVar's aggregate classification.

Literature cited by the submitters: PubMed 9215749 (cited by Dasa and Labcorp Genetics (formerly Invitae), Labcorp); PubMed 25373348 (cited by Dasa and Labcorp Genetics (formerly Invitae), Labcorp); PubMed 31064749 (cited by 3 submitters); PubMed 17576681 (cited by Labcorp Genetics (formerly Invitae), Labcorp); PubMed 9536098 (cited by Labcorp Genetics (formerly Invitae), Labcorp).